The following is an entry in ClinVar:

ClinVar aggregate classification (germline): Uncertain significance (1 of 4 stars; one submission).

Conditions:
Congenital dyserythropoietic anemia, type II (CDAN2). Also called: DYSERYTHROPOIETIC ANEMIA, HEMPAS TYPE. Identifiers: Orphanet 98873, MedGen C1306589, MONDO:0009134, OMIM 224100.
Cowden syndrome 7 (CWS7). Identifiers: Orphanet 201, MedGen C4225179, MONDO:0014802, OMIM 616858.

Submission:

Labcorp Genetics (formerly Invitae), Labcorp
Classification: Uncertain significance for Congenital dyserythropoietic anemia, type II; Cowden syndrome 7. Last evaluated: 2023-06-14. Review status: criteria provided, single submitter. Criteria: Invitae Variant Classification Sherloc (09022015). Collection method: clinical testing. Allele origin: unknown.
Comment: In summary, the available evidence is currently insufficient to determine the role of this variant in disease. Therefore, it has been classified as a Variant of Uncertain Significance. This variant disrupts a region of the SEC23B protein in which other variant(s) (p.His757Pro) have been observed in individuals with SEC23B-related conditions (PMID: 20941788). This suggests that this is a clinically significant region of the protein, and that variants that disrupt it are likely to be disease-causing. This variant has not been reported in the literature in individuals affected with SEC23B-related conditions. This variant is a gross deletion of the genomic region encompassing exon(s) 20 of the SEC23B gene, which includes the termination codon. This deletion extends beyond the assayed region for this gene and therefore may encompass additional genes. While this deletion is not anticipated to lead to nonsense mediated decay, it is expected to alter mRNA translation or result in a truncated protein product.

Literature cited by the submitters: PubMed 20941788.

NC_000020.10:g.(?_18541275)_(18541384_?)del

Gene: SEC23B (SEC23 homolog B, COPII component; plus strand). Cytogenetic location: 20p11.23.
Variant type: Deletion.
Identifiers: ClinVar variation 3248268 (VCV003248268.1).